The following is an entry in ClinVar:

ClinVar aggregate classification (germline): Uncertain significance (1 of 4 stars; one submission).

Conditions:
Cardiovascular phenotype. Identifiers: MedGen CN230736.

gnomAD v4.1: 1 of 1,614,062 alleles (0.000062%); highest among the groups gnomAD compares: Non-Finnish European, 0.000085%; no homozygotes.

Submission:

Ambry Genetics
Classification: Uncertain significance for Cardiovascular phenotype. Last evaluated: 2025-06-10. Review status: criteria provided, single submitter. Criteria: Ambry Variant Classification Scheme 2023. Collection method: clinical testing. Allele origin: germline.
Comment: The p.A88V variant (also known as c.263C>T), located in coding exon 1 of the SHOC2 gene, results from a C to T substitution at nucleotide position 263. The alanine at codon 88 is replaced by valine, an amino acid with similar properties. This amino acid position is conserved. In addition, this alteration is predicted to be deleterious by in silico analysis. Based on the available evidence, the clinical significance of this variant remains unclear.

NM_007373.4(SHOC2):c.263C>T (p.Ala88Val)

Gene: SHOC2 (SHOC2 leucine rich repeat scaffold protein; plus strand). Cytogenetic location: 10q25.2.
Variant type: single nucleotide variant.
Coding change: c.263C>T on transcript NM_007373.4 (MANE Select); coding-DNA position 263, C replaced by T.
Protein change: p.Ala88Val; replaces alanine 88 with valine.
Molecular consequence: missense variant.
Genome position (GRCh38, 1-based): chr10:110,964,621, C>T. VCF-style: chr10-110964621-C-T. GRCh37 (hg19) VCF-style: chr10-112724379-C-T.
Other names: c.263C>T, p.Ala88Val (NM_001269039.3, NM_001324336.2, NM_001324337.2); short protein forms A88V.
Identifiers: ClinVar variation 3954164 (VCV003954164.1).